The following is an entry in ClinVar:

NM_020800.3(IFT80):c.1412A>G (p.Lys471Arg)

Genes: TRIM59-IFT80 (TRIM59-IFT80 readthrough (NMD candidate); minus strand), IFT80 (intraflagellar transport 80; minus strand). Cytogenetic location: 3q25.33.
Variant type: single nucleotide variant.
Coding change: c.1412A>G on transcript NM_020800.3 (MANE Select); coding-DNA position 1412, A replaced by G.
Protein change: p.Lys471Arg; replaces lysine 471 with arginine.
Molecular consequence: missense variant. On other transcripts: non-coding transcript variant (3).
Genome position (GRCh38, 1-based): chr3:160,282,582, T>C on the plus strand (A>G on the coding strand, the complement: IFT80 is on the minus strand). VCF-style: chr3-160282582-T-C. GRCh37 (hg19) VCF-style: chr3-160000370-T-C.
Other names: c.1001A>G, p.Lys334Arg (NM_001190241.2, NM_001190242.2); short protein forms K334R, K471R.
Identifiers: ClinVar variation 1054003 (VCV001054003.6), dbSNP rs766798264, ClinGen allele CA2685153.

ClinVar aggregate classification (germline): Uncertain significance (1 of 4 stars; one submission).

Conditions:
Jeune thoracic dystrophy. Also called: Jeune syndrome; Infantile thoracic dystrophy; Thoracic pelvic phalangeal dystrophy; Jeune's syndrome; Chondroectodermal dysplasia-like syndrome; Short-rib thoracic dysplasia. Identifiers: Orphanet 474, MedGen C0265275, MONDO:0018770.

Allele frequency attached by ClinVar (database versions not stated): ExAC 0.00001; gnomAD exomes 0.00001 and 0.00003.
gnomAD v4.1: 7 of 1,591,310 alleles (0.00044%); highest among the groups gnomAD compares: Admixed American, 0.012%; no homozygotes.

Submission:

Labcorp Genetics (formerly Invitae), Labcorp
Classification: Uncertain significance for Jeune thoracic dystrophy. Last evaluated: 2022-07-19. Review status: criteria provided, single submitter. Criteria: Invitae Variant Classification Sherloc (09022015). Collection method: clinical testing. Allele origin: germline.
Comment: This sequence change replaces lysine, which is basic and polar, with arginine, which is basic and polar, at codon 471 of the IFT80 protein (p.Lys471Arg). This variant is present in population databases (rs766798264, gnomAD 0.02%). This variant has not been reported in the literature in individuals affected with IFT80-related conditions. ClinVar contains an entry for this variant (Variation ID: 1054003). Algorithms developed to predict the effect of missense changes on protein structure and function (SIFT, PolyPhen-2, Align-GVGD) all suggest that this variant is likely to be tolerated. In summary, the available evidence is currently insufficient to determine the role of this variant in disease. Therefore, it has been classified as a Variant of Uncertain Significance.